The following is an entry in ClinVar:

ClinVar aggregate classification (germline): Uncertain significance (1 of 4 stars; one submission).

Allele frequency attached by ClinVar (database versions not stated): gnomAD 0.00003 and 0.00004; TOPMed 0.00006.
gnomAD v4.1: 11 of 1,376,764 alleles (0.0008%); highest among the groups gnomAD compares: African/African-American, 0.0074%; no homozygotes.

Submission:

Labcorp Genetics (formerly Invitae), Labcorp
Classification: Uncertain significance. Last evaluated: 2022-08-10. Review status: criteria provided, single submitter. Criteria: Invitae Variant Classification Sherloc (09022015). Collection method: clinical testing. Allele origin: germline.
Comment: This sequence change replaces threonine, which is neutral and polar, with methionine, which is neutral and non-polar, at codon 46 of the TULP1 protein (p.Thr46Met). This variant is present in population databases (rs200344441, gnomAD 0.007%). This variant has not been reported in the literature in individuals affected with TULP1-related conditions. ClinVar contains an entry for this variant (Variation ID: 1450903). Algorithms developed to predict the effect of missense changes on protein structure and function are either unavailable or do not agree on the potential impact of this missense change (SIFT: "Not Available"; PolyPhen-2: "Benign"; Align-GVGD: "Not Available"). In summary, the available evidence is currently insufficient to determine the role of this variant in disease. Therefore, it has been classified as a Variant of Uncertain Significance.

NM_003322.6(TULP1):c.137C>T (p.Thr46Met)

Gene: TULP1 (TUB like protein 1; minus strand). Cytogenetic location: 6p21.31.
Variant type: single nucleotide variant.
Coding change: c.137C>T on transcript NM_003322.6 (MANE Select); coding-DNA position 137, C replaced by T.
Protein change: p.Thr46Met; replaces threonine 46 with methionine.
Molecular consequence: missense variant.
Genome position (GRCh38, 1-based): chr6:35,512,233, G>A on the plus strand (C>T on the coding strand, the complement: TULP1 is on the minus strand). VCF-style: chr6-35512233-G-A. GRCh37 (hg19) VCF-style: chr6-35480010-G-A.
Other names: c.137C>T, p.Thr46Met (NM_001289395.2); short protein forms T46M.
Identifiers: ClinVar variation 1450903 (VCV001450903.4), dbSNP rs200344441, ClinGen allele CA137293164.